The following is an entry in ClinVar:

ClinVar aggregate classification (germline): Uncertain significance (0 of 4 stars; one submission).

Conditions:
Combined immunodeficiency due to GINS1 deficiency. Also called: IMMUNODEFICIENCY 55. Identifiers: Orphanet 505227, MedGen C5568132, MONDO:0044725, OMIM 617827.

Submission:

Clinical Genomics Laboratory, Stanford Medicine
Classification: Uncertain significance for Combined immunodeficiency due to GINS1 deficiency. Last evaluated: 2019-08-30. Review status: no assertion criteria provided. Collection method: clinical testing. Allele origin: germline. Inheritance: Autosomal recessive inheritance. Affected: yes.
Comment: The p.Glu18Glnfs*24 variant in the GINS1 gene has not been previously reported in association with disease. This variant was absent from large population databases, including the Genome Aggregation Database. The p.Glu18Glnfs*24 variant causes a shift in the protein reading frame, leading to a premature termination codon 24 amino acids downstream. It is currently unknown if GINS1 loss of function is associated with disease. These data were assessed using the ACMG/AMP variant interpretation guidelines. In summary, the significance of the p.Glu18Glnfs*24 variant is uncertain. Additional information is needed to resolve the significance of this variant. [ACMG evidence codes used: PM2]

NM_021067.5(GINS1):c.52delinsCA (p.Glu18fs)

Genes: GINS1 (GINS complex subunit 1; plus strand), LOC130065587 (ATAC-STARR-seq lymphoblastoid active region 17669; plus strand). Cytogenetic location: 20p11.21.
Variant type: Indel.
Coding change: c.52delinsCA on transcript NM_021067.5 (MANE Select); coding-DNA position 52, G replaced by CA.
Protein change: p.Glu18fs; shifts the reading frame from glutamic acid 18.
Molecular consequence: frameshift variant. On other transcripts: non-coding transcript variant (1).
Genome position (GRCh38, 1-based): chr20:25,407,872, G replaced by CA. VCF-style: chr20-25407872-G-CA. GRCh37 (hg19) VCF-style: chr20-25388508-G-CA.
Other names: short protein forms E18fs.
Identifiers: ClinVar variation 976464 (VCV000976464.1), dbSNP rs2090256422, ClinGen allele CA1139666670.